The following is an entry in ClinVar:

ClinVar aggregate classification (germline): Benign. Review status: criteria provided, multiple submitters, no conflicts (2 of 4 stars). 3 submissions from 3 submitters: Benign (3). Last evaluated 2021-07-01.

Conditions:
Galactosylceramide beta-galactosidase deficiency. Also called: Krabbe Disease; Leukodystrophy, Globoid Cell; GALACTOCEREBROSIDASE DEFICIENCY; GALC DEFICIENCY; GLOBOID CELL LEUKOENCEPHALOPATHY. Identifiers: Orphanet 487, MedGen C0023521, MONDO:0009499, OMIM 245200.

Allele frequency attached by ClinVar (database versions not stated): gnomAD 0.44823 and 0.45814; TOPMed 0.45639; 1000 Genomes Project 30x 0.48392; 1000 Genomes Project 0.48882; gnomAD exomes 0.54846.
gnomAD v4.1: 404,845 of 764,114 alleles (53%); highest among the groups gnomAD compares: East Asian, 76%; 111,626 homozygotes.

Submissions (3):

Genome-Nilou Lab
Classification: Benign for Galactosylceramide beta-galactosidase deficiency. Last evaluated: 2021-07-01. Review status: criteria provided, single submitter. Criteria: ACMG Guidelines, 2015. Collection method: clinical testing. Allele origin: germline. Affected: no.

GeneDx
Classification: Benign. Last evaluated: 2018-06-19. Review status: criteria provided, single submitter. Criteria: GeneDx Variant Classification (06012015). Collection method: clinical testing. Allele origin: germline. Affected: yes.
Comment: This variant is considered likely benign or benign based on one or more of the following criteria: it is a conservative change, it occurs at a poorly conserved position in the protein, it is predicted to be benign by multiple in silico algorithms, and/or has population frequency not consistent with disease.

Breakthrough Genomics
Classification: Benign. Review status: criteria provided, single submitter. Criteria: ACMG Guidelines, 2015. Collection method: not provided. Allele origin: germline. Inheritance: Autosomal recessive inheritance. Affected: yes.

NM_000153.4(GALC):c.1911+129G>A

Gene: GALC (galactosylceramidase; minus strand). Cytogenetic location: 14q31.3.
Variant type: single nucleotide variant.
Coding change: c.1911+129G>A on transcript NM_000153.4 (MANE Select); 129 bases into the intron after coding-DNA position 1911, G replaced by A.
Molecular consequence: intron variant.
Genome position (GRCh38, 1-based): chr14:87,939,776, C>T on the plus strand (G>A on the coding strand, the complement: GALC is on the minus strand). VCF-style: chr14-87939776-C-T. GRCh37 (hg19) VCF-style: chr14-88406120-C-T.
Other names: c.1833+129G>A (NM_001201402.2); c.1842+129G>A (NM_001201401.2).
Identifiers: ClinVar variation 680307 (VCV000680307.5), dbSNP rs45626938, ClinGen allele CA13997340.